The following is an entry in ClinVar:

NM_006035.4(CDC42BPB):c.3889T>C (p.Cys1297Arg)

Gene: CDC42BPB (CDC42 binding protein kinase beta; minus strand). Cytogenetic location: 14q32.32.
Variant type: single nucleotide variant.
Coding change: c.3889T>C on transcript NM_006035.4 (MANE Select); coding-DNA position 3889, T replaced by C.
Protein change: p.Cys1297Arg; replaces cysteine 1297 with arginine.
Molecular consequence: missense variant.
Genome position (GRCh38, 1-based): chr14:102,944,410, A>G on the plus strand (T>C on the coding strand, the complement: CDC42BPB is on the minus strand). VCF-style: chr14-102944410-A-G. GRCh37 (hg19) VCF-style: chr14-103410747-A-G.
Other names: c.3811T>C, p.Cys1271Arg (NM_001411054.1); short protein forms C1297R, C1271R.
Identifiers: ClinVar variation 4087811 (VCV004087811.1).

ClinVar aggregate classification (germline): Uncertain significance (1 of 4 stars; one submission).

gnomAD v4.1: 1 of 1,613,088 alleles (0.000062%); highest among the groups gnomAD compares: Admixed American, 0.0017%; no homozygotes.

Submission:

GeneDx
Classification: Uncertain significance. Last evaluated: 2025-03-24. Review status: criteria provided, single submitter. Criteria: GeneDx Variant Classification Process June 2021. Collection method: clinical testing. Allele origin: germline. Affected: yes.
Comment: Not observed at significant frequency in large population cohorts (gnomAD); In silico analysis supports that this missense variant has a deleterious effect on protein structure/function; Has not been previously published as pathogenic or benign to our knowledge